The following is an entry in ClinVar:

NM_004006.3(DMD):c.2424G>C (p.Leu808=)

Gene: DMD (dystrophin; minus strand). Cytogenetic location: Xp21.1.
Variant type: single nucleotide variant.
Coding change: c.2424G>C on transcript NM_004006.3 (MANE Select); coding-DNA position 2424, G replaced by C.
Protein change: p.Leu808=; no amino-acid change (leucine 808 retained).
Molecular consequence: synonymous variant.
Genome position (GRCh38, 1-based): chrX:32,491,475, C>G on the plus strand (G>C on the coding strand, the complement: DMD is on the minus strand). VCF-style: chrX-32491475-C-G. GRCh37 (hg19) VCF-style: chrX-32509592-C-G.
Other names: c.2400G>C, p.Leu800= (NM_000109.4); c.2412G>C, p.Leu804= (NM_004009.3); c.2055G>C, p.Leu685= (NM_004010.3).
Identifiers: ClinVar variation 702479 (VCV000702479.37), dbSNP rs748257989, ClinGen allele CA10379517.

ClinVar aggregate classification (germline): Benign/Likely benign. Review status: criteria provided, multiple submitters, no conflicts (2 of 4 stars). 3 submissions from 3 submitters: Benign (1); Likely benign (2). Last evaluated 2026-02-01.

Conditions:
Cardiovascular phenotype. Identifiers: MedGen CN230736.
Duchenne muscular dystrophy (DMD). Also called: MUSCULAR DYSTROPHY, PSEUDOHYPERTROPHIC PROGRESSIVE, DUCHENNE TYPE; Duchenne Muscular Dystrophy (DMD). Identifiers: Orphanet 98896, MedGen C0013264, MONDO:0010679, OMIM 310200.

Allele frequency attached by ClinVar (database versions not stated): gnomAD exomes 0.00002 and 0.00018; gnomAD 0.00003; TOPMed 0.00005; ExAC 0.00018.
gnomAD v4.1: 30 of 1,209,268 alleles (0.0025%); highest among the groups gnomAD compares: East Asian, 0.08%; no homozygotes.

Submissions (3):

Labcorp Genetics (formerly Invitae), Labcorp
Classification: Benign for Duchenne muscular dystrophy. Last evaluated: 2026-02-01. Review status: criteria provided, single submitter. Criteria: Invitae Variant Classification Sherloc (09022015). Collection method: clinical testing. Allele origin: germline.

CeGaT Center for Human Genetics Tuebingen
Classification: Likely benign. Last evaluated: 2023-08-01. Review status: criteria provided, single submitter. Criteria: CeGaT Center For Human Genetics Tuebingen Variant Classification Criteria Version 2. Collection method: clinical testing. Allele origin: germline. Affected: yes. Observed: 1 variant allele.
Comment: DMD: BP4, BS2

Ambry Genetics
Classification: Likely benign for Cardiovascular phenotype. Last evaluated: 2019-05-17. Review status: criteria provided, single submitter. Criteria: Ambry Variant Classification Scheme 2023. Collection method: clinical testing. Allele origin: germline.